The following is an entry in ClinVar:

ClinVar aggregate classification (germline): Benign/Likely benign. Review status: criteria provided, multiple submitters, no conflicts (2 of 4 stars). 7 submissions from 6 submitters: Benign (4); Likely benign (2). 1 of the submissions does not count toward it. Last evaluated 2026-01-24.

Conditions:
Retinitis pigmentosa (RP). Identifiers: Orphanet 791, MedGen C0035334, MeSH D012174, MONDO:0019200, OMIM 268000. Inheritance: Autosomal dominant, autosomal recessive and X linked inheritance.
Congenital stationary night blindness autosomal dominant 2. Also called: NIGHT BLINDNESS, CONGENITAL STATIONARY, RAMBUSCH TYPE. Identifiers: Orphanet 215, MedGen C1876182, MONDO:0008099, OMIM 163500.

Allele frequency attached by ClinVar (database versions not stated): gnomAD exomes 0.00618; ExAC 0.00763; gnomAD 0.02414 and 0.02573; 1000 Genomes Project 0.02456; 1000 Genomes Project 30x 0.02561; ESP Exome Variant Server 0.02722; TOPMed 0.02753.
gnomAD v4.1: 7,236 of 1,613,426 alleles (0.45%); highest among the groups gnomAD compares: African/African-American, 8.4%; 267 homozygotes.

Submissions (7):

Labcorp Genetics (formerly Invitae), Labcorp
Classification: Benign. Last evaluated: 2026-01-24. Review status: criteria provided, single submitter. Criteria: Invitae Variant Classification Sherloc (09022015). Collection method: clinical testing. Allele origin: germline.

ARUP Laboratories, Molecular Genetics and Genomics, ARUP Laboratories
Classification: Benign. Last evaluated: 2023-10-11. Review status: criteria provided, single submitter. Criteria: ARUP Molecular Germline Variant Investigation Process 2024. Collection method: clinical testing. Allele origin: germline.

Illumina Laboratory Services, Illumina
Classification: Likely benign for Retinitis pigmentosa. Last evaluated: 2018-01-13. Review status: criteria provided, single submitter. Criteria: ICSL Variant Classification Criteria 13 December 2019. Collection method: clinical testing. Allele origin: germline.
Comment: This variant was observed in the ICSL laboratory as part of a predisposition screen in an ostensibly healthy population. It had not been previously curated by ICSL or reported in the Human Gene Mutation Database (HGMD: prior to June 1st, 2018), and was therefore a candidate for classification through an automated scoring system. Utilizing variant allele frequency, disease prevalence and penetrance estimates, and inheritance mode, an automated score was calculated to assess if this variant is too frequent to cause the disease. Based on the score and internal cut-off values, a variant classified as likely benign is not then subjected to further curation. The score for this variant resulted in a classification of likely benign for this disease.

Illumina Laboratory Services, Illumina
Classification: Benign for Congenital stationary night blindness autosomal dominant 2. Last evaluated: 2018-01-13. Review status: criteria provided, single submitter. Criteria: ICSL Variant Classification Criteria 13 December 2019. Collection method: clinical testing. Allele origin: germline.
Comment: This variant was observed in the ICSL laboratory as part of a predisposition screen in an ostensibly healthy population. It had not been previously curated by ICSL or reported in the Human Gene Mutation Database (HGMD: prior to June 1st, 2018), and was therefore a candidate for classification through an automated scoring system. Utilizing variant allele frequency, disease prevalence and penetrance estimates, and inheritance mode, an automated score was calculated to assess if this variant is too frequent to cause the disease. Based on the score and internal cut-off values, a variant classified as benign is not then subjected to further curation. The score for this variant resulted in a classification of benign for this disease.

GeneDx
Classification: Benign. Last evaluated: 2016-12-09. Review status: criteria provided, single submitter. Criteria: GeneDx Variant Classification (06012015). Collection method: clinical testing. Allele origin: germline. Affected: yes.
Comment: This variant is considered likely benign or benign based on one or more of the following criteria: it is a conservative change, it occurs at a poorly conserved position in the protein, it is predicted to be benign by multiple in silico algorithms, and/or has population frequency not consistent with disease.

Breakthrough Genomics
Classification: Likely benign. Review status: criteria provided, single submitter. Criteria: ACMG Guidelines, 2015. Collection method: not provided. Allele origin: germline. Inheritance: Autosomal recessive inheritance. Affected: yes.

NEI Ophthalmic Genomics Laboratory, National Institutes of Health
No classification provided. Review status: no classification provided. Collection method: not provided. Allele origin: not provided. Not counted in ClinVar's aggregate classification.

NM_000283.4(PDE6B):c.143G>A (p.Arg48Gln)

Gene: PDE6B (phosphodiesterase 6B; plus strand). Cytogenetic location: 4p16.3.
Variant type: single nucleotide variant.
Coding change: c.143G>A on transcript NM_000283.4 (MANE Select); coding-DNA position 143, G replaced by A.
Protein change: p.Arg48Gln; replaces arginine 48 with glutamine.
Molecular consequence: missense variant.
Genome position (GRCh38, 1-based): chr4:625,769, G>A. VCF-style: chr4-625769-G-A. GRCh37 (hg19) VCF-style: chr4-619558-G-A.
Other names: c.143G>A, p.Arg48Gln (NM_001145291.2); short protein forms R48Q.
Identifiers: ClinVar variation 100563 (VCV000100563.25), dbSNP rs113842820, ClinGen allele CA228883.